The following is an entry in ClinVar:

ClinVar aggregate classification (germline): Pathogenic/Likely pathogenic. Review status: criteria provided, multiple submitters, no conflicts (2 of 4 stars). 2 submissions from 2 submitters: Pathogenic (1); Likely pathogenic (1). Last evaluated 2026-01-18.

Conditions:
RD3-related disorder. Also called: RD3-related condition.
Leber congenital amaurosis 12 (LCA12). Identifiers: Orphanet 65, MedGen C1857743, MONDO:0012525, OMIM 610612.

Allele frequency attached by ClinVar (database versions not stated): gnomAD exomes below 0.00001.
gnomAD v4.1: 3 of 1,614,176 alleles (0.00019%); highest among the groups gnomAD compares: Non-Finnish European, 0.00025%; no homozygotes.

Submissions (2):

Labcorp Genetics (formerly Invitae), Labcorp
Classification: Pathogenic for Leber congenital amaurosis 12. Last evaluated: 2026-01-18. Review status: criteria provided, single submitter. Criteria: Invitae Variant Classification Sherloc (09022015). Collection method: clinical testing. Allele origin: germline.
Comment: This sequence change affects a donor splice site in intron 2 of the RD3 gene. While this variant is not anticipated to result in nonsense mediated decay, it likely alters RNA splicing and results in a disrupted protein product. This variant is present in population databases (no rsID available, gnomAD 0.0009%). Disruption of this splice site has been observed in individuals with Leber congenital amaurosis (PMID: 17186464, 29068479). It has also been observed to segregate with disease in related individuals. ClinVar contains an entry for this variant (Variation ID: 1388540). Variants that disrupt the consensus splice site are a relatively common cause of aberrant splicing (PMID: 17576681, 9536098). Algorithms developed to predict the effect of sequence changes on RNA splicing suggest that this variant may disrupt the consensus splice site. This variant disrupts a region of the RD3 protein in which other variant(s) (p.Leu104Pro) have been observed in individuals with RD3-related conditions (PMID: 27422788). This suggests that this is a clinically significant region of the protein, and that variants that disrupt it are likely to be disease-causing. For these reasons, this variant has been classified as Pathogenic.

Blueprint Genetics
Classification: Likely pathogenic for RD3-related disorders. Last evaluated: 2023-07-28. Review status: criteria provided, single submitter. Criteria: ACMG Guidelines, 2015. Collection method: clinical testing. Allele origin: germline. Affected: yes. Observed: 3 variant alleles.

Literature cited by the submitters: PubMed 17186464 (cited by Labcorp Genetics (formerly Invitae), Labcorp); PubMed 29068479 (cited by Labcorp Genetics (formerly Invitae), Labcorp); PubMed 17576681 (cited by Labcorp Genetics (formerly Invitae), Labcorp); PubMed 9536098 (cited by Labcorp Genetics (formerly Invitae), Labcorp); PubMed 27422788 (cited by Labcorp Genetics (formerly Invitae), Labcorp).

NM_001164688.2(RD3):c.296+1G>T

Gene: RD3 (RD3 regulator of GUCY2D; minus strand). Cytogenetic location: 1q32.3.
Variant type: single nucleotide variant.
Coding change: c.296+1G>T on transcript NM_001164688.2 (MANE Select); the canonical splice donor site of the intron after coding-DNA position 296, G replaced by T.
Molecular consequence: splice donor variant.
Genome position (GRCh38, 1-based): chr1:211,481,119, C>A on the plus strand (G>T on the coding strand, the complement: RD3 is on the minus strand). VCF-style: chr1-211481119-C-A. GRCh37 (hg19) VCF-style: chr1-211654461-C-A.
Other names: c.296+1G>T (NM_183059.3).
Identifiers: ClinVar variation 1388540 (VCV001388540.7), dbSNP rs386834260, ClinGen allele CA344879141.
Genomic context (GRCh38, chr1:211,481,119, plus strand): 5'-CCACTGCAGCCACCTTTCCTGGAGCCTGCAGCCCAGCAAGGGTCCCCATCCCAGTGCTCA[C>A]CTGAGGATAGCAGGCCCACAATAGGATGGGTGGATCTTAACGCAGACATCTTCCAGCTGC-3'